The following is an entry in ClinVar:

ClinVar aggregate classification (germline): Uncertain significance. Review status: criteria provided, multiple submitters, no conflicts (2 of 4 stars). 2 submissions from 2 submitters: Uncertain significance (2). Last evaluated 2025-10-23.

Conditions:
ATL1-related disorder. Also called: ATL1-related condition.
Inborn genetic diseases. Identifiers: MedGen C0950123, MeSH D030342.

gnomAD v4.1: 3 of 1,613,774 alleles (0.00019%); highest among the groups gnomAD compares: African/African-American, 0.0013%; no homozygotes.

Submissions (2):

PreventionGenetics, part of Exact Sciences
Classification: Uncertain significance for ATL1-related condition. Last evaluated: 2025-10-23. Review status: criteria provided, single submitter. Criteria: ACMG Guidelines, 2015. Collection method: clinical testing. Allele origin: germline.
Comment: The ATL1 c.843C>G variant is predicted to result in the amino acid substitution p.Asn281Lys. To our knowledge, this variant has not been reported in the literature. This variant is reported in 0.0062% of alleles in individuals of African descent in gnomAD. At this time, the clinical significance of this variant is uncertain due to the absence of conclusive functional and genetic evidence.

Ambry Genetics
Classification: Uncertain significance for Inborn genetic diseases. Last evaluated: 2024-10-07. Review status: criteria provided, single submitter. Criteria: Ambry Variant Classification Scheme 2023. Collection method: clinical testing. Allele origin: germline.

NM_015915.5(ATL1):c.843C>G (p.Asn281Lys)

Gene: ATL1 (atlastin GTPase 1; plus strand). Cytogenetic location: 14q22.1.
Variant type: single nucleotide variant.
Coding change: c.843C>G on transcript NM_015915.5 (MANE Select); coding-DNA position 843, C replaced by G.
Protein change: p.Asn281Lys; replaces asparagine 281 with lysine.
Molecular consequence: missense variant.
Genome position (GRCh38, 1-based): chr14:50,614,492, C>G. VCF-style: chr14-50614492-C-G. GRCh37 (hg19) VCF-style: chr14-51081210-C-G.
Other names: c.843C>G, p.Asn281Lys (NM_001127713.1, NM_181598.4); short protein forms N281K.
Identifiers: ClinVar variation 3444333 (VCV003444333.2).